The following is an entry in ClinVar:

NM_014679.5(CEP57):c.1187A>G (p.Lys396Arg)

Gene: CEP57 (centrosomal protein 57; plus strand). Cytogenetic location: 11q21.
Variant type: single nucleotide variant.
Coding change: c.1187A>G on transcript NM_014679.5 (MANE Select); coding-DNA position 1187, A replaced by G.
Protein change: p.Lys396Arg; replaces lysine 396 with arginine.
Molecular consequence: missense variant.
Genome position (GRCh38, 1-based): chr11:95,829,246, A>G. VCF-style: chr11-95829246-A-G. GRCh37 (hg19) VCF-style: chr11-95562410-A-G.
Other names: c.1160A>G, p.Lys387Arg (NM_001243776.2); c.1109A>G, p.Lys370Arg (NM_001243777.2); c.1106A>G, p.Lys369Arg (NM_001363604.2); c.1187A>G (NM_014679.4); short protein forms K369R, K370R, K396R, K387R.
Identifiers: ClinVar variation 1427410 (VCV001427410.9), dbSNP rs2135378752, ClinGen allele CA382408817.
Genomic context (GRCh38, chr11:95,829,246, plus strand): 5'-GTGATCACCAGCAGCTTGCAAAACTTATCCAGGAGTCGCCAACCGTTGAACTGAAAGACA[A>G]GTTGGAGTGTGAATTGGAGGCATTAGTGGGAAGGATGGAAGCAAAAGCCAACCAAATAAC-3'
Protein context (NP_055494.2, residues 386-406): QESPTVELKD[Lys396Arg]LECELEALVG

ClinVar aggregate classification (germline): Uncertain significance. Review status: criteria provided, multiple submitters, no conflicts (2 of 4 stars). 2 submissions from 2 submitters: Uncertain significance (2). Last evaluated 2025-12-21.

Conditions:
Inborn genetic diseases. Identifiers: MedGen C0950123, MeSH D030342.
Mosaic variegated aneuploidy syndrome 2 (MVA2). Identifiers: Orphanet 1052, MedGen C3279843, MONDO:0013582, OMIM 614114.

Submissions (2):

Ambry Genetics
Classification: Uncertain significance for Inborn genetic diseases. Last evaluated: 2025-12-21. Review status: criteria provided, single submitter. Criteria: Ambry Variant Classification Scheme 2023. Collection method: clinical testing. Allele origin: germline.
Comment: The p.K396R variant (also known as c.1187A>G), located in coding exon 10 of the CEP57 gene, results from an A to G substitution at nucleotide position 1187. The lysine at codon 396 is replaced by arginine, an amino acid with highly similar properties. This amino acid position is conserved. In addition, this alteration is predicted to be tolerated by in silico analysis. Based on the available evidence, the clinical significance of this variant remains unclear.

Labcorp Genetics (formerly Invitae), Labcorp
Classification: Uncertain significance for Mosaic variegated aneuploidy syndrome 2. Last evaluated: 2022-02-19. Review status: criteria provided, single submitter. Criteria: Invitae Variant Classification Sherloc (09022015). Collection method: clinical testing. Allele origin: germline.
Comment: This sequence change replaces lysine, which is basic and polar, with arginine, which is basic and polar, at codon 396 of the CEP57 protein (p.Lys396Arg). In summary, the available evidence is currently insufficient to determine the role of this variant in disease. Therefore, it has been classified as a Variant of Uncertain Significance. Algorithms developed to predict the effect of missense changes on protein structure and function (SIFT, PolyPhen-2, Align-GVGD) all suggest that this variant is likely to be tolerated. This variant has not been reported in the literature in individuals affected with CEP57-related conditions. This variant is not present in population databases (gnomAD no frequency).